The following is an entry in ClinVar:

NM_001013838.3(CARMIL2):c.992A>G (p.Asn331Ser)

Gene: CARMIL2 (capping protein regulator and myosin 1 linker 2; plus strand). Cytogenetic location: 16q22.1.
Variant type: single nucleotide variant.
Coding change: c.992A>G on transcript NM_001013838.3 (MANE Select); coding-DNA position 992, A replaced by G.
Protein change: p.Asn331Ser; replaces asparagine 331 with serine.
Molecular consequence: missense variant.
Genome position (GRCh38, 1-based): chr16:67,647,879, A>G. VCF-style: chr16-67647879-A-G. GRCh37 (hg19) VCF-style: chr16-67681782-A-G.
Other names: c.992A>G, p.Asn331Ser (NM_001317026.3); short protein forms N331S.
Identifiers: ClinVar variation 1414373 (VCV001414373.6), dbSNP rs1217007834, ClinGen allele CA396334035.

ClinVar aggregate classification (germline): Uncertain significance (1 of 4 stars; one submission).

Allele frequency attached by ClinVar (database versions not stated): gnomAD exomes below 0.00001; gnomAD 0.00001.
gnomAD v4.1: 5 of 1,611,122 alleles (0.00031%); highest among the groups gnomAD compares: Non-Finnish European, 0.00042%; no homozygotes.

Submission:

Labcorp Genetics (formerly Invitae), Labcorp
Classification: Uncertain significance. Last evaluated: 2022-07-19. Review status: criteria provided, single submitter. Criteria: Invitae Variant Classification Sherloc (09022015). Collection method: clinical testing. Allele origin: germline.
Comment: Algorithms developed to predict the effect of missense changes on protein structure and function (SIFT, PolyPhen-2, Align-GVGD) all suggest that this variant is likely to be tolerated. In summary, the available evidence is currently insufficient to determine the role of this variant in disease. Therefore, it has been classified as a Variant of Uncertain Significance. Algorithms developed to predict the effect of sequence changes on RNA splicing suggest that this variant may create or strengthen a splice site. ClinVar contains an entry for this variant (Variation ID: 1414373). This variant has not been reported in the literature in individuals affected with CARMIL2-related conditions. This variant is present in population databases (no rsID available, gnomAD 0.01%). This sequence change replaces asparagine, which is neutral and polar, with serine, which is neutral and polar, at codon 331 of the CARMIL2 protein (p.Asn331Ser).